The following is an entry in ClinVar:

ClinVar aggregate classification (germline): Uncertain significance (1 of 4 stars; one submission).

Conditions:
Hereditary cancer-predisposing syndrome. Also called: Neoplastic Syndromes, Hereditary; Tumor predisposition; Hereditary Cancer Syndrome; Hereditary neoplastic syndrome. Identifiers: Orphanet 140162, MedGen C0027672, MeSH D009386, MONDO:0015356.

Allele frequency attached by ClinVar (database versions not stated): gnomAD exomes below 0.00001.
gnomAD v4.1: 1 of 1,614,162 alleles (0.000062%); highest among the groups gnomAD compares: Non-Finnish European, 0.000085%; no homozygotes.

Submission:

Ambry Genetics
Classification: Uncertain significance for Hereditary cancer-predisposing syndrome. Last evaluated: 2020-03-06. Review status: criteria provided, single submitter. Criteria: Ambry Variant Classification Scheme 2023. Collection method: clinical testing. Allele origin: germline.
Comment: The p.L542F variant (also known as c.1624C>T), located in coding exon 15 of the NF2 gene, results from a C to T substitution at nucleotide position 1624. The leucine at codon 542 is replaced by phenylalanine, an amino acid with highly similar properties. This amino acid position is highly conserved in available vertebrate species. In addition, this alteration is predicted to be deleterious by in silico analysis. Since supporting evidence is limited at this time, the clinical significance of this alteration remains unclear.

NM_000268.4(NF2):c.1624C>T (p.Leu542Phe)

Gene: NF2 (NF2, moesin-ezrin-radixin like (MERLIN) tumor suppressor; plus strand). Cytogenetic location: 22q12.2.
Variant type: single nucleotide variant.
Coding change: c.1624C>T on transcript NM_000268.4 (MANE Select); coding-DNA position 1624, C replaced by T.
Protein change: p.Leu542Phe; replaces leucine 542 with phenylalanine.
Molecular consequence: missense variant. On other transcripts: non-coding transcript variant (1), intron variant (1).
Genome position (GRCh38, 1-based): chr22:29,681,488, C>T. VCF-style: chr22-29681488-C-T. GRCh37 (hg19) VCF-style: chr22-30077477-C-T.
Other names: c.1510C>T, p.Leu504Phe (NM_001407053.1, NM_001407056.1); c.1501C>T, p.Leu501Phe (NM_001407054.1, NM_001407058.1, NM_181829.3); c.1498C>T, p.Leu500Phe (NM_001407055.1, NM_181828.3); c.1489C>T, p.Leu497Phe (NM_001407057.1, NM_001407059.1); c.1366C>T, p.Leu456Phe (NM_001407062.1); c.1375C>T, p.Leu459Phe (NM_001407063.1, NM_181830.3, NM_181831.3); c.1090C>T, p.Leu364Phe (NM_001407065.1); c.1624C>T, p.Leu542Phe (NM_001407066.1, NM_016418.5, NM_181825.3 and 1 more transcripts); and 2 more; short protein forms L459F, L500F, L542F, L504F, L364F, L465F, L497F, L456F.
Identifiers: ClinVar variation 1776667 (VCV001776667.2), dbSNP rs1223799516, ClinGen allele CA411150103.
Genomic context (GRCh38, chr22:29,681,488, plus strand): 5'-CTTGCCGGCAGAGTGGAATACATGGAAAAGAGCAAGCATCTGCAGGAGCAGCTCAATGAA[C>T]TCAAGACAGAAATCGAGGCCTTGAAACTGAAAGAGAGGGAGACAGCTCTGGATATTCTGC-3'
Protein context (NP_000259.1, residues 532-552): SKHLQEQLNE[Leu542Phe]KTEIEALKLK